The following is an entry in ClinVar:

ClinVar aggregate classification (germline): Likely pathogenic (1 of 4 stars; one submission).

Allele frequency attached by ClinVar (database versions not stated): TOPMed 0.00001.

Submission:

Mayo Clinic Laboratories, Mayo Clinic
Classification: Likely pathogenic. Last evaluated: 2020-06-23. Review status: criteria provided, single submitter. Criteria: ACMG Guidelines, 2015. Collection method: clinical testing. Allele origin: germline. Observed: 1 variant allele.
Comment: PP3, PM2, PS3

Literature cited by the submitters: PubMed 27216882; PubMed 25948085; PubMed 23926300.

NM_000132.4(F8):c.*56G>T

Gene: F8 (coagulation factor VIII; minus strand). Cytogenetic location: Xq28.
Variant type: single nucleotide variant.
Coding change: c.*56G>T on transcript NM_000132.4 (MANE Select); 56 bases downstream of the stop codon, G replaced by T.
Molecular consequence: 3 prime UTR variant.
Genome position (GRCh38, 1-based): chrX:154,837,541, C>A on the plus strand (G>T on the coding strand, the complement: F8 is on the minus strand). VCF-style: chrX-154837541-C-A. GRCh37 (hg19) VCF-style: chrX-154065816-C-A.
Other names: c.*56G>T (NM_019863.3).
Identifiers: ClinVar variation 1163207 (VCV001163207.5), dbSNP rs2072483147, ClinGen allele CA2466807386.